The following is an entry in ClinVar:

NM_000193.4(SHH):c.1109A>G (p.His370Arg)

Gene: SHH (sonic hedgehog signaling molecule; minus strand). Cytogenetic location: 7q36.3.
Variant type: single nucleotide variant.
Coding change: c.1109A>G on transcript NM_000193.4 (MANE Select); coding-DNA position 1109, A replaced by G.
Protein change: p.His370Arg; replaces histidine 370 with arginine.
Molecular consequence: missense variant. On other transcripts: intron variant (1).
Genome position (GRCh38, 1-based): chr7:155,803,180, T>C on the plus strand (A>G on the coding strand, the complement: SHH is on the minus strand). VCF-style: chr7-155803180-T-C. GRCh37 (hg19) VCF-style: chr7-155595874-T-C.
Other names: c.302-2935A>G (NM_001310462.2); short protein forms H370R.
Identifiers: ClinVar variation 3347643 (VCV003347643.1).
Genomic context (GRCh38, chr7:155,803,180, plus strand): 5'-AGTGCAGCCAGGAGCGCGTGCGCCAGGCGGAAGGGCGCGAAGGCCCGGTGCGCCCAGCTG[T>C]GCTCCTCGATGACCGCGTAGCACGAGGCCAGCACCCGGTTGATGAGAATGGTGCCCTGGG-3'
Protein context (NP_000184.1, residues 360-380): LASCYAVIEE[His370Arg]SWAHRAFAPF

ClinVar aggregate classification (germline): Uncertain significance (0 of 4 stars; one submission).

Conditions:
SHH-related disorder. Also called: SHH-related condition; SHH-related disorders.

Submission:

PreventionGenetics, part of Exact Sciences
Classification: Uncertain significance for SHH-related condition. Last evaluated: 2024-08-23. Review status: no assertion criteria provided. Collection method: clinical testing. Allele origin: germline.
Comment: The SHH c.1109A>G variant is predicted to result in the amino acid substitution p.His370Arg. To our knowledge, this variant has not been reported in the literature or in a large population database, indicating this variant is rare. At this time, the clinical significance of this variant is uncertain due to the absence of conclusive functional and genetic evidence.